The following is an entry in ClinVar:

ClinVar aggregate classification (germline): Uncertain significance (1 of 4 stars; one submission).

Submission:

GeneDx
Classification: Uncertain significance. Last evaluated: 2023-12-28. Review status: criteria provided, single submitter. Criteria: GeneDx Variant Classification Process June 2021. Collection method: clinical testing. Allele origin: germline. Affected: yes.
Comment: Has not been previously published as pathogenic or benign to our knowledge; Not observed at significant frequency in large population cohorts (gnomAD); In silico analysis suggests this variant may impact gene splicing. In the absence of RNA/functional studies, the actual effect of this sequence change is unknown

NM_130837.3(OPA1):c.1870+5G>C

Genes: OPA1 (OPA1 mitochondrial dynamin like GTPase; plus strand), LOC126806913 (BRD4-independent group 4 enhancer GRCh37_chr3:193364377-193365576; plus strand). Cytogenetic location: 3q29.
Variant type: single nucleotide variant.
Coding change: c.1870+5G>C on transcript NM_130837.3 (MANE Select); 5 bases into the intron after coding-DNA position 1870, G replaced by C.
Molecular consequence: intron variant.
Genome position (GRCh38, 1-based): chr3:193,647,185, G>C. VCF-style: chr3-193647185-G-C. GRCh37 (hg19) VCF-style: chr3-193364974-G-C.
Other names: c.1333+5G>C (NM_001354664.2); c.1336+5G>C (NM_001354663.2); c.1759+5G>C (NM_130834.3); c.1816+5G>C (NM_130836.3); c.1705+5G>C (NM_015560.3); c.1762+5G>C (NM_130835.3); c.1651+5G>C (NM_130832.3); c.1708+5G>C (NM_130833.3); and 1 more.
Identifiers: ClinVar variation 3370218 (VCV003370218.1).